The following is an entry in ClinVar:

ClinVar aggregate classification (germline): Benign/Likely benign. Review status: criteria provided, multiple submitters, no conflicts (2 of 4 stars). 2 submissions from 2 submitters: Benign (1); Likely benign (1). Last evaluated 2026-05-01.

Allele frequency attached by ClinVar (database versions not stated): TOPMed 0.00052; ExAC 0.00053; gnomAD 0.00053; ESP Exome Variant Server 0.00077.
gnomAD v4.1: 624 of 1,613,578 alleles (0.039%); highest among the groups gnomAD compares: Middle Eastern, 0.033%; 6 homozygotes.

Submissions (2):

CeGaT Center for Human Genetics Tuebingen
Classification: Likely benign. Last evaluated: 2026-05-01. Review status: criteria provided, single submitter. Criteria: CeGaT Center For Human Genetics Tuebingen Variant Classification Criteria Version 2. Collection method: clinical testing. Allele origin: germline. Affected: yes. Observed: 2 variant alleles.
Comment: MAST1: BP4, BP7

Labcorp Genetics (formerly Invitae), Labcorp
Classification: Benign. Last evaluated: 2026-01-27. Review status: criteria provided, single submitter. Criteria: Invitae Variant Classification Sherloc (09022015). Collection method: clinical testing. Allele origin: germline.

NM_014975.3(MAST1):c.3291G>A (p.Lys1097=)

Gene: MAST1 (microtubule associated serine/threonine kinase 1; plus strand). Cytogenetic location: 19p13.13.
Variant type: single nucleotide variant.
Coding change: c.3291G>A on transcript NM_014975.3 (MANE Select); coding-DNA position 3291, G replaced by A.
Protein change: p.Lys1097=; no amino-acid change (lysine 1097 retained).
Molecular consequence: synonymous variant.
Genome position (GRCh38, 1-based): chr19:12,873,351, G>A. VCF-style: chr19-12873351-G-A. GRCh37 (hg19) VCF-style: chr19-12984165-G-A.
Identifiers: ClinVar variation 2155128 (VCV002155128.28), dbSNP rs138725908, ClinGen allele CA9233386.